The following is an entry in ClinVar:

ClinVar aggregate classification (germline): Uncertain significance (1 of 4 stars; one submission).

Submission:

Labcorp Genetics (formerly Invitae), Labcorp
Classification: Uncertain significance. Last evaluated: 2025-02-26. Review status: criteria provided, single submitter. Criteria: Invitae Variant Classification Sherloc (09022015). Collection method: clinical testing. Allele origin: germline.
Comment: This sequence change replaces methionine, which is neutral and non-polar, with valine, which is neutral and non-polar, at codon 1147 of the ADGRA3 protein (p.Met1147Val). This variant is present in population databases (no rsID available, gnomAD 0.007%). This variant has not been reported in the literature in individuals affected with ADGRA3-related conditions. An algorithm developed to predict the effect of missense changes on protein structure and function outputs the following: PolyPhen-2: "Benign". The valine amino acid residue is found in multiple mammalian species, which suggests that this missense change does not adversely affect protein function. In summary, the available evidence is currently insufficient to determine the role of this variant in disease. Therefore, it has been classified as a Variant of Uncertain Significance.

NM_145290.4(ADGRA3):c.3439A>G (p.Met1147Val)

Gene: ADGRA3 (adhesion G protein-coupled receptor A3; minus strand). Cytogenetic location: 4p15.2.
Variant type: single nucleotide variant.
Coding change: c.3439A>G on transcript NM_145290.4 (MANE Select); coding-DNA position 3439, A replaced by G.
Protein change: p.Met1147Val; replaces methionine 1147 with valine.
Molecular consequence: missense variant.
Genome position (GRCh38, 1-based): chr4:22,388,232, T>C on the plus strand (A>G on the coding strand, the complement: ADGRA3 is on the minus strand). VCF-style: chr4-22388232-T-C. GRCh37 (hg19) VCF-style: chr4-22389855-T-C.
Other names: short protein forms M1147V.
Identifiers: ClinVar variation 4761013 (VCV004761013.1).